The following is an entry in ClinVar:

NM_018718.3(CEP41):c.278-1G>A

Gene: CEP41 (centrosomal protein 41; minus strand). Cytogenetic location: 7q32.2.
Variant type: single nucleotide variant.
Coding change: c.278-1G>A on transcript NM_018718.3 (MANE Select); the canonical splice acceptor site of the intron before coding-DNA position 278, G replaced by A.
Molecular consequence: splice acceptor variant.
Genome position (GRCh38, 1-based): chr7:130,404,709, C>T on the plus strand (G>A on the coding strand, the complement: CEP41 is on the minus strand). VCF-style: chr7-130404709-C-T. GRCh37 (hg19) VCF-style: chr7-130044550-C-T.
Other names: c.230-1G>A (NM_001257159.2); c.278-1G>A (NM_001257158.2).
Identifiers: ClinVar variation 1471398 (VCV001471398.6), dbSNP rs1796956272, ClinGen allele CA369289466.

ClinVar aggregate classification (germline): Likely pathogenic (1 of 4 stars; one submission).

Conditions:
Joubert syndrome 15 (JBTS15). Identifiers: Orphanet 475, MedGen C3280897, MONDO:0013763, OMIM 614464.

Allele frequency attached by ClinVar (database versions not stated): gnomAD 0.00001; TOPMed 0.00004.
gnomAD v4.1: 4 of 1,604,730 alleles (0.00025%); highest among the groups gnomAD compares: African/African-American, 0.0013%; no homozygotes.

Submission:

Labcorp Genetics (formerly Invitae), Labcorp
Classification: Likely pathogenic for Joubert syndrome 15. Last evaluated: 2023-08-10. Review status: criteria provided, single submitter. Criteria: Invitae Variant Classification Sherloc (09022015). Collection method: clinical testing. Allele origin: germline.
Comment: This sequence change affects an acceptor splice site in intron 5 of the CEP41 gene. It is expected to disrupt RNA splicing. Variants that disrupt the donor or acceptor splice site typically lead to a loss of protein function (PMID: 16199547), and loss-of-function variants in CEP41 are known to be pathogenic (PMID: 22246503). This variant is not present in population databases (gnomAD no frequency). This variant has not been reported in the literature in individuals affected with CEP41-related conditions. ClinVar contains an entry for this variant (Variation ID: 1471398). Algorithms developed to predict the effect of sequence changes on RNA splicing suggest that this variant may disrupt the consensus splice site. In summary, the currently available evidence indicates that the variant is pathogenic, but additional data are needed to prove that conclusively. Therefore, this variant has been classified as Likely Pathogenic.

Literature cited by the submitters: PubMed 16199547; PubMed 22246503.